The following is an entry in ClinVar:

NM_000135.4(FANCA):c.2003G>T (p.Ser668Ile)

Gene: FANCA (FA complementation group A; minus strand). Cytogenetic location: 16q24.3.
Variant type: single nucleotide variant.
Coding change: c.2003G>T on transcript NM_000135.4 (MANE Select); coding-DNA position 2003, G replaced by T.
Protein change: p.Ser668Ile; replaces serine 668 with isoleucine.
Molecular consequence: missense variant.
Genome position (GRCh38, 1-based): chr16:89,773,282, C>A on the plus strand (G>T on the coding strand, the complement: FANCA is on the minus strand). VCF-style: chr16-89773282-C-A. GRCh37 (hg19) VCF-style: chr16-89839690-C-A.
Other names: c.2003G>T, p.Ser668Ile (NM_001286167.3); c.2003G>T (NM_000135.3); short protein forms S668I.
Identifiers: ClinVar variation 2161267 (VCV002161267.6), dbSNP rs182288490, ClinGen allele CA397449542.

ClinVar aggregate classification (germline): Uncertain significance. Review status: criteria provided, multiple submitters, no conflicts (2 of 4 stars). 5 submissions from 5 submitters: Uncertain significance (5). Last evaluated 2026-01-12.

Conditions:
FANCA-related disorder. Also called: FANCA-related condition.
Fanconi anemia complementation group A (FANCA). Also called: FANCA-Related Fanconi Anemia; Fanconi anemia, group A. Identifiers: Orphanet 84, MedGen C3469521, MONDO:0009215, OMIM 227650.
Inborn genetic diseases. Identifiers: MedGen C0950123, MeSH D030342.
Fanconi anemia (FA). Also called: Fanconi's anemia. Identifiers: Orphanet 84, MedGen C0015625, MeSH D005199, MONDO:0019391.

Allele frequency attached by ClinVar (database versions not stated): gnomAD exomes below 0.00001; TOPMed 0.00001.
gnomAD v4.1: 5 of 1,550,610 alleles (0.00032%); highest among the groups gnomAD compares: East Asian, 0.0049%; no homozygotes.

Submissions (5):

Labcorp Genetics (formerly Invitae), Labcorp
Classification: Uncertain significance for Fanconi anemia. Last evaluated: 2026-01-12. Review status: criteria provided, single submitter. Criteria: Invitae Variant Classification Sherloc (09022015). Collection method: clinical testing. Allele origin: germline.
Comment: This sequence change replaces serine, which is neutral and polar, with isoleucine, which is neutral and non-polar, at codon 668 of the FANCA protein (p.Ser668Ile). The frequency data for this variant in the population databases is considered unreliable, as metrics indicate poor data quality at this position in the gnomAD database. This variant has not been reported in the literature in individuals affected with FANCA-related conditions. ClinVar contains an entry for this variant (Variation ID: 2161267). Invitae Evidence Modeling of protein sequence and biophysical properties (such as structural, functional, and spatial information, amino acid conservation, physicochemical variation, residue mobility, and thermodynamic stability) indicates that this missense variant is not expected to disrupt FANCA protein function with a negative predictive value of 95%. In summary, the available evidence is currently insufficient to determine the role of this variant in disease. Therefore, it has been classified as a Variant of Uncertain Significance.

PreventionGenetics, part of Exact Sciences
Classification: Uncertain significance for FANCA-related condition. Last evaluated: 2025-07-01. Review status: criteria provided, single submitter. Criteria: ACMG Guidelines, 2015. Collection method: clinical testing. Allele origin: germline.
Comment: The FANCA c.2003G>T variant is predicted to result in the amino acid substitution p.Ser668Ile. To our knowledge, this variant has not been reported in the literature. This variant is reported in 0.0088% of alleles in individuals of East Asian descent in gnomAD. At this time, the clinical significance of this variant is uncertain due to the absence of conclusive functional and genetic evidence.

Ambry Genetics
Classification: Uncertain significance for Inborn genetic diseases. Last evaluated: 2025-03-04. Review status: criteria provided, single submitter. Criteria: Ambry Variant Classification Scheme 2023. Collection method: clinical testing. Allele origin: germline.
Comment: The p.S668I variant (also known as c.2003G>T), located in coding exon 22 of the FANCA gene, results from a G to T substitution at nucleotide position 2003. The serine at codon 668 is replaced by isoleucine, an amino acid with dissimilar properties. This amino acid position is conserved. In addition, this alteration is predicted to be tolerated by in silico analysis. Based on the available evidence, the clinical significance of this variant remains unclear.

Fulgent Genetics
Classification: Uncertain significance for Fanconi anemia complementation group A. Last evaluated: 2024-02-02. Review status: criteria provided, single submitter. Criteria: ACMG Guidelines, 2015. Collection method: clinical testing. Allele origin: germline.

Quest Diagnostics Nichols Institute San Juan Capistrano
Classification: Uncertain significance. Last evaluated: 2022-12-13. Review status: criteria provided, single submitter. Criteria: Quest Diagnostics criteria. Collection method: clinical testing. Allele origin: unknown.
Comment: This variant has not been reported in the published literature. The frequency of this variant in the general population, 0.0000064 (1/155698 chromosomes), is uninformative in assessment of its pathogenicity. Analysis of this variant using bioinformatics tools for the prediction of the effect of amino acid changes on protein structure and function yielded predictions that this variant is benign. Based on the available information, we are unable to determine the clinical significance of this variant.